The following is an entry in ClinVar:

ClinVar aggregate classification (germline): Likely benign. Review status: criteria provided, multiple submitters, no conflicts (2 of 4 stars). 2 submissions from 2 submitters: Likely benign (2). Last evaluated 2026-04-01.

gnomAD v4.1: 37 of 1,614,004 alleles (0.0023%); highest among the groups gnomAD compares: Admixed American, 0.062%; no homozygotes.

Submissions (2):

CeGaT Center for Human Genetics Tuebingen
Classification: Likely benign. Last evaluated: 2026-04-01. Review status: criteria provided, single submitter. Criteria: CeGaT Center For Human Genetics Tuebingen Variant Classification Criteria Version 2. Collection method: clinical testing. Allele origin: germline. Affected: yes. Observed: 1 variant allele.
Comment: POLR1A: BP4, BP7

Labcorp Genetics (formerly Invitae), Labcorp
Classification: Likely benign. Last evaluated: 2025-11-19. Review status: criteria provided, single submitter. Criteria: Invitae Variant Classification Sherloc (09022015). Collection method: clinical testing. Allele origin: germline.

NM_015425.6(POLR1A):c.594A>G (p.Ala198=)

Gene: POLR1A (RNA polymerase I subunit A; minus strand). Cytogenetic location: 2p11.2.
Variant type: single nucleotide variant.
Coding change: c.594A>G on transcript NM_015425.6 (MANE Select); coding-DNA position 594, A replaced by G.
Protein change: p.Ala198=; no amino-acid change (alanine 198 retained).
Molecular consequence: synonymous variant.
Genome position (GRCh38, 1-based): chr2:86,088,817, T>C on the plus strand (A>G on the coding strand, the complement: POLR1A is on the minus strand). VCF-style: chr2-86088817-T-C. GRCh37 (hg19) VCF-style: chr2-86315940-T-C.
Identifiers: ClinVar variation 1657931 (VCV001657931.10), dbSNP rs760022156, ClinGen allele CA1746610.